The following is an entry in ClinVar:

ClinVar aggregate classification (germline): Uncertain significance. Review status: criteria provided, multiple submitters, no conflicts (2 of 4 stars). 2 submissions from 2 submitters: Uncertain significance (2). Last evaluated 2026-01-27.

Conditions:
Hereditary cancer-predisposing syndrome. Also called: Neoplastic Syndromes, Hereditary; Tumor predisposition; Hereditary neoplastic syndrome; Hereditary Cancer Syndrome. Identifiers: Orphanet 140162, MedGen C0027672, MeSH D009386, MONDO:0015356.
Familial cancer of breast. Also called: BREAST CANCER, FAMILIAL; hereditary breast carcinoma; Hereditary breast cancer. Identifiers: Orphanet 227535, MedGen C0346153, MONDO:0016419, OMIM 114480. Disease mechanism: loss of function.

Submissions (2):

Labcorp Genetics (formerly Invitae), Labcorp
Classification: Uncertain significance for Familial cancer of breast. Last evaluated: 2026-01-27. Review status: criteria provided, single submitter. Criteria: Invitae Variant Classification Sherloc (09022015). Collection method: clinical testing. Allele origin: germline.
Comment: This sequence change replaces arginine, which is basic and polar, with glycine, which is neutral and non-polar, at codon 31 of the BARD1 protein (p.Arg31Gly). This variant is not present in population databases (gnomAD no frequency). This variant has not been reported in the literature in individuals affected with BARD1-related conditions. ClinVar contains an entry for this variant (Variation ID: 578577). An algorithm developed to predict the effect of missense changes on protein structure and function outputs the following: PolyPhen-2: "Benign". The glycine amino acid residue is found in multiple mammalian species, which suggests that this missense change does not adversely affect protein function. In summary, the available evidence is currently insufficient to determine the role of this variant in disease. Therefore, it has been classified as a Variant of Uncertain Significance.

Ambry Genetics
Classification: Uncertain significance for Hereditary cancer-predisposing syndrome. Last evaluated: 2025-04-24. Review status: criteria provided, single submitter. Criteria: Ambry Variant Classification Scheme 2023. Collection method: clinical testing. Allele origin: germline.
Comment: The p.R31G variant (also known as c.91C>G), located in coding exon 1 of the BARD1 gene, results from a C to G substitution at nucleotide position 91. The arginine at codon 31 is replaced by glycine, an amino acid with dissimilar properties. This amino acid position is not well conserved in available vertebrate species, and glycine is the reference amino acid in other vertebrate species. In addition, this alteration is predicted to be tolerated by in silico analysis. Since supporting evidence is limited at this time, the clinical significance of this alteration remains unclear.

NM_000465.4(BARD1):c.91C>G (p.Arg31Gly)

Gene: BARD1 (BRCA1 associated RING domain 1; minus strand). Cytogenetic location: 2q35.
Variant type: single nucleotide variant.
Coding change: c.91C>G on transcript NM_000465.4 (MANE Select); coding-DNA position 91, C replaced by G.
Protein change: p.Arg31Gly; replaces arginine 31 with glycine.
Molecular consequence: missense variant. On other transcripts: non-coding transcript variant (3).
Genome position (GRCh38, 1-based): chr2:214,809,479, G>C on the plus strand (C>G on the coding strand, the complement: BARD1 is on the minus strand). VCF-style: chr2-214809479-G-C. GRCh37 (hg19) VCF-style: chr2-215674203-G-C.
Other names: c.91C>G, p.Arg31Gly (NM_001282543.2, NM_001282545.2, NM_001282548.2 and 1 more transcripts); short protein forms R31G.
Identifiers: ClinVar variation 578577 (VCV000578577.15), dbSNP rs1064795053, ClinGen allele CA350465078.